The following is an entry in ClinVar:

NM_003482.4(KMT2D):c.4812C>T (p.Thr1604=)

Gene: KMT2D (lysine methyltransferase 2D; minus strand). Cytogenetic location: 12q13.12.
Variant type: single nucleotide variant.
Coding change: c.4812C>T on transcript NM_003482.4 (MANE Select); coding-DNA position 4812, C replaced by T.
Protein change: p.Thr1604=; no amino-acid change (threonine 1604 retained).
Molecular consequence: synonymous variant.
Genome position (GRCh38, 1-based): chr12:49,044,895, G>A on the plus strand (C>T on the coding strand, the complement: KMT2D is on the minus strand). VCF-style: chr12-49044895-G-A. GRCh37 (hg19) VCF-style: chr12-49438678-G-A.
Identifiers: ClinVar variation 2075606 (VCV002075606.7), dbSNP rs745582174, ClinGen allele CA6547706.

ClinVar aggregate classification (germline): Likely benign. Review status: criteria provided, multiple submitters, no conflicts (2 of 4 stars). 3 submissions from 3 submitters: Likely benign (2). 1 of the submissions does not count toward it. Last evaluated 2026-08-01.

Conditions:
KMT2D-related disorder. Also called: KMT2D-Related Disorders.
Kabuki syndrome. Also called: NIIKAWA-KUROKI SYNDROME; Kabuki make-up syndrome. Identifiers: Orphanet 2322, MedGen C0796004, MONDO:0016512.

Allele frequency attached by ClinVar (database versions not stated): ExAC 0.00002; gnomAD 0.00002; gnomAD exomes 0.00002; TOPMed 0.00004; 1000 Genomes Project 30x 0.00016.
gnomAD v4.1: 38 of 1,614,066 alleles (0.0024%); highest among the groups gnomAD compares: Non-Finnish European, 0.0031%; no homozygotes.

Submissions (3):

CeGaT Center for Human Genetics Tuebingen
Classification: Likely benign. Last evaluated: 2026-08-01. Review status: criteria provided, single submitter. Criteria: CeGaT Center For Human Genetics Tuebingen Variant Classification Criteria Version 2. Collection method: clinical testing. Allele origin: germline. Affected: yes. Observed: 1 variant allele.
Comment: KMT2D: BP4

Labcorp Genetics (formerly Invitae), Labcorp
Classification: Likely benign for Kabuki syndrome. Last evaluated: 2024-08-12. Review status: criteria provided, single submitter. Criteria: Invitae Variant Classification Sherloc (09022015). Collection method: clinical testing. Allele origin: germline.

PreventionGenetics, part of Exact Sciences
Classification: Likely benign for KMT2D-related condition. Last evaluated: 2022-07-11. Review status: no assertion criteria provided. Collection method: clinical testing. Allele origin: germline. Not counted in ClinVar's aggregate classification.
Comment: This variant is classified as likely benign based on ACMG/AMP sequence variant interpretation guidelines (Richards et al. 2015 PMID: 25741868, with internal and published modifications).